The following is an entry in ClinVar:

ClinVar aggregate classification (germline): Conflicting classifications of pathogenicity. Review status: criteria provided, conflicting classifications (1 of 4 stars). 3 submissions from 3 submitters: Uncertain significance (1); Likely benign (2). Last evaluated 2021-11-07.

Conditions:
Hereditary cancer-predisposing syndrome. Also called: Hereditary neoplastic syndrome; Neoplastic Syndromes, Hereditary; Tumor predisposition; Hereditary Cancer Syndrome. Identifiers: Orphanet 140162, MedGen C0027672, MeSH D009386, MONDO:0015356.
Microcephaly, normal intelligence and immunodeficiency (NBS). Also called: IMMUNODEFICIENCY, MICROCEPHALY, AND CHROMOSOMAL INSTABILITY; SEEMANOVA SYNDROME II; Nijmegen breakage syndrome; Microcephaly with normal intelligence immunodeficiency and lymphoreticular malignancies; Nonsyndromal microcephaly autosomal recessive with normal intelligence; Seemanova syndrome 2. Identifiers: Orphanet 647, MedGen C0398791, MONDO:0009623, OMIM 251260.

Allele frequency attached by ClinVar (database versions not stated): gnomAD exomes below 0.00001.
gnomAD v4.1: 1 of 1,612,956 alleles (0.000062%); highest among the groups gnomAD compares: Non-Finnish European, 0.000085%; no homozygotes.

Submissions (3):

Genome-Nilou Lab
Classification: Likely benign for Microcephaly, normal intelligence and immunodeficiency. Last evaluated: 2021-11-07. Review status: criteria provided, single submitter. Criteria: ACMG Guidelines, 2015. Collection method: clinical testing. Allele origin: germline. Affected: no.

Labcorp Genetics (formerly Invitae), Labcorp
Classification: Uncertain significance for Microcephaly, normal intelligence and immunodeficiency. Last evaluated: 2019-10-07. Review status: criteria provided, single submitter. Criteria: Invitae Variant Classification Sherloc (09022015). Collection method: clinical testing. Allele origin: germline.
Comment: This variant has not been reported in the literature in individuals with NBN-related conditions. ClinVar contains an entry for this variant (Variation ID: 480066). Algorithms developed to predict the effect of sequence changes on RNA splicing suggest that this variant is not likely to affect RNA splicing, but this prediction has not been confirmed by published transcriptional studies. In summary, the available evidence is currently insufficient to determine the role of this variant in disease. Therefore, it has been classified as a Variant of Uncertain Significance. This variant is not present in population databases (ExAC no frequency). This sequence change affects codon 12 of the NBN mRNA. It is a 'silent' change, meaning that it does not change the encoded amino acid sequence of the NBN protein.

Ambry Genetics
Classification: Likely benign for Hereditary cancer-predisposing syndrome. Last evaluated: 2017-08-07. Review status: criteria provided, single submitter. Criteria: Ambry Variant Classification Scheme 2023. Collection method: clinical testing. Allele origin: germline.

NM_002485.5(NBN):c.36A>C (p.Gly12=)

Gene: NBN (nibrin; minus strand). Cytogenetic location: 8q21.3.
Variant type: single nucleotide variant.
Coding change: c.36A>C on transcript NM_002485.5 (MANE Select); coding-DNA position 36, A replaced by C.
Protein change: p.Gly12=; no amino-acid change (glycine 12 retained).
Molecular consequence: synonymous variant. On other transcripts: 5 prime UTR variant (1).
Genome position (GRCh38, 1-based): chr8:89,984,526, T>G on the plus strand (A>C on the coding strand, the complement: NBN is on the minus strand). VCF-style: chr8-89984526-T-G. GRCh37 (hg19) VCF-style: chr8-90996754-T-G.
Other names: c.-261A>C (NM_001024688.3).
Identifiers: ClinVar variation 480066 (VCV000480066.18), dbSNP rs1554569658, ClinGen allele CA461831594.
Genomic context (GRCh38, chr8:89,984,526, plus strand): 5'-CTCCCCCGAGGCAGTCGCTACCGGGAAAATAGGCCCCGAGGCTTCCCTTCTGCCCTTACC[T>G]CCTGCCGGGCCCGCGGCGGGCAGCAGTTTCCACATCGGTCCGGCTCCTCAGGGCTGGGGC-3'
Protein context (NP_002476.2, residues 2-22): WKLLPAAGPA[Gly12=]GEPYRLLTGV